The following is an entry in ClinVar:

NM_000051.4(ATM):c.4110-11A>T

Gene: ATM (ATM serine/threonine kinase; plus strand). Cytogenetic location: 11q22.3.
Variant type: single nucleotide variant.
Coding change: c.4110-11A>T on transcript NM_000051.4 (MANE Select); 11 bases into the intron before coding-DNA position 4110, A replaced by T.
Molecular consequence: intron variant.
Genome position (GRCh38, 1-based): chr11:108,288,966, A>T. VCF-style: chr11-108288966-A-T. GRCh37 (hg19) VCF-style: chr11-108159693-A-T.
Other names: c.4110-11A>T (NM_001351834.2).
Identifiers: ClinVar variation 629422 (VCV000629422.13), dbSNP rs760715107, ClinGen allele CA913187805.
Genomic context (GRCh38, chr11:108,288,966, plus strand): 5'-TTGGAAGTTCACTGGTCTATGAACAAAACTTTTTAAAACGATGACTGTATTTTTTCCCTT[A>T]ACTCTGTTAGGGATTTGGATCCTGCTCCTAATCCACCTCATTTTCCATCGCATGTGATTA-3'

ClinVar aggregate classification (germline): Likely benign. Review status: criteria provided, multiple submitters, no conflicts (2 of 4 stars). 4 submissions from 4 submitters: Likely benign (4). Last evaluated 2025-05-14.

Conditions:
Familial cancer of breast. Also called: BREAST CANCER, FAMILIAL; Hereditary breast cancer; hereditary breast carcinoma. Identifiers: Orphanet 227535, MedGen C0346153, MONDO:0016419, OMIM 114480. Disease mechanism: loss of function.
Ataxia-telangiectasia syndrome (AT). Also called: Cerebello-oculocutaneous telangiectasia; Immunodeficiency with ataxia telangiectasia; Ataxia-telangiectasia, complementation group D; AT, COMPLEMENTATION GROUP C; Ataxia-telangiectasia; Ataxia telangiectasia (A-T). Identifiers: Orphanet 100, MedGen C0004135, MONDO:0008840, OMIM 208900.
Hereditary cancer-predisposing syndrome. Also called: Tumor predisposition; Neoplastic Syndromes, Hereditary; Hereditary Cancer Syndrome; Hereditary neoplastic syndrome. Identifiers: Orphanet 140162, MedGen C0027672, MeSH D009386, MONDO:0015356.

Submissions (4):

Labcorp Genetics (formerly Invitae), Labcorp
Classification: Likely benign for Ataxia-telangiectasia syndrome. Last evaluated: 2025-05-14. Review status: criteria provided, single submitter. Criteria: Invitae Variant Classification Sherloc (09022015). Collection method: clinical testing. Allele origin: germline.

Myriad Genetics, Inc.
Classification: Likely benign for Familial cancer of breast. Last evaluated: 2024-05-16. Review status: criteria provided, single submitter. Criteria: Myriad Autosomal Dominant, Autosomal Recessive and X-Linked Classification Criteria (2023). Collection method: clinical testing. Allele origin: unknown.
Comment: This variant is considered likely benign. This variant is intronic and is not expected to impact mRNA splicing.

Blueprint Genetics
Classification: Likely benign. Last evaluated: 2022-07-11. Review status: criteria provided, single submitter. Criteria: ACMG Guidelines, 2015. Collection method: clinical testing. Allele origin: germline.

Color Diagnostics, LLC DBA Color Health
Classification: Likely benign for Hereditary cancer-predisposing syndrome. Last evaluated: 2021-07-19. Review status: criteria provided, single submitter. Criteria: ACMG Guidelines, 2015. Collection method: clinical testing. Allele origin: germline.